The following is an entry in ClinVar:

ClinVar aggregate classification (germline): Uncertain significance. Review status: criteria provided, single submitter (1 of 4 stars). 2 submissions from 2 submitters: Uncertain significance (1). 1 of the submissions does not count toward it. Last evaluated 2022-04-10.

Conditions:
Mucopolysaccharidosis, MPS-III-C (MPS3C). Also called: MUCOPOLYSACCHARIDOSIS, TYPE IIIC; Mucopolysaccharidosis type IIIC (Sanfilippo C); SANFILIPPO SYNDROME C; MPS III C; mucopolysaccharidosis type 3C; MPS IIIC (Sanfilippo Syndrome Type C). Identifiers: Orphanet 581, Orphanet 79271, MedGen C0086649, MONDO:0009657, OMIM 252930.
Retinitis pigmentosa 73 (RP73). Identifiers: Orphanet 791, MedGen C4225287, MONDO:0014687, OMIM 616544.

Allele frequency attached by ClinVar (database versions not stated): TOPMed below 0.00001; ExAC 0.00001; gnomAD exomes below 0.00001.
gnomAD v4.1: 1 of 1,608,432 alleles (0.000062%); highest among the groups gnomAD compares: Admixed American, 0.0017%; no homozygotes.

Submissions (2):

Labcorp Genetics (formerly Invitae), Labcorp
Classification: Uncertain significance for Retinitis pigmentosa 73; Mucopolysaccharidosis, MPS-III-C. Last evaluated: 2022-04-10. Review status: criteria provided, single submitter. Criteria: Invitae Variant Classification Sherloc (09022015). Collection method: clinical testing. Allele origin: germline.
Comment: This sequence change replaces valine, which is neutral and non-polar, with methionine, which is neutral and non-polar, at codon 588 of the HGSNAT protein (p.Val588Met). The frequency data for this variant in the population databases is considered unreliable, as metrics indicate poor data quality at this position in the gnomAD database. This variant has not been reported in the literature in individuals affected with HGSNAT-related conditions. Algorithms developed to predict the effect of missense changes on protein structure and function are either unavailable or do not agree on the potential impact of this missense change (SIFT: "Deleterious"; PolyPhen-2: "Benign"; Align-GVGD: "Class C15"). In summary, the available evidence is currently insufficient to determine the role of this variant in disease. Therefore, it has been classified as a Variant of Uncertain Significance.

Natera, Inc.
Classification: Uncertain significance for Mucopolysaccharidosis type IIIC. Last evaluated: 2025-01-29. Review status: no assertion criteria provided. Collection method: clinical testing. Allele origin: germline. Not counted in ClinVar's aggregate classification.

NM_152419.3(HGSNAT):c.1762G>A (p.Val588Met)

Gene: HGSNAT (heparan-alpha-glucosaminide N-acetyltransferase; plus strand). Cytogenetic location: 8p11.21.
Variant type: single nucleotide variant.
Coding change: c.1762G>A on transcript NM_152419.3 (MANE Select); coding-DNA position 1762, G replaced by A.
Protein change: p.Val588Met; replaces valine 588 with methionine.
Molecular consequence: missense variant.
Genome position (GRCh38, 1-based): chr8:43,199,423, G>A. VCF-style: chr8-43199423-G-A. GRCh37 (hg19) VCF-style: chr8-43054566-G-A.
Other names: c.1762G>A (NM_152419.2); c.1849G>A, p.Val617Met (NM_001363227.2); c.1570G>A, p.Val524Met (NM_001363228.2); c.898G>A, p.Val300Met (NM_001363229.2); short protein forms V524M, V617M, V300M, V588M.
Identifiers: ClinVar variation 1905265 (VCV001905265.3), dbSNP rs762123513, ClinGen allele CA4737023.